The following is an entry in ClinVar:

ClinVar aggregate classification (germline): Conflicting classifications of pathogenicity. Review status: criteria provided, conflicting classifications (1 of 4 stars). 2 submissions from 2 submitters: Likely pathogenic (1); Uncertain significance (1). Last evaluated 2023-12-01.

Submissions (3):

CeGaT Center for Human Genetics Tuebingen
Classification: Likely pathogenic. Last evaluated: 2023-12-01. Review status: criteria provided, single submitter. Criteria: CeGaT Center For Human Genetics Tuebingen Variant Classification Criteria Version 2. Collection method: clinical testing. Allele origin: germline. Affected: yes. Observed: 1 variant allele.
Comment: JAG1: PM2, PS2:Moderate, PP2, PS4:Supporting

Eurofins Ntd Llc (ga)
Classification: Uncertain significance. Last evaluated: 2017-06-29. Review status: criteria provided, single submitter. Criteria: EGL Classification Definitions 2015. Collection method: clinical testing. Allele origin: germline. Observed: 1 variant allele, 1 heterozygote.

Gilbert/Spinner Lab, Children's Hospital of Philadelphia
No classification provided (evidence only). Condition: Alagille syndrome. Review status: no classification provided. Collection method: research. Allele origin: not applicable. Functional consequence: functionally_abnormal. Not counted in ClinVar's aggregate classification.
ClinVar note: "not provided" was previously submitted as the classification for the variant. However, the classification appeared to be based only on an observation of functional data so it was converted to no classification on 2025-07-30.

NM_000214.3(JAG1):c.64T>C (p.Cys22Arg)

Gene: JAG1 (jagged canonical Notch ligand 1; minus strand). Cytogenetic location: 20p12.2.
Variant type: single nucleotide variant.
Coding change: c.64T>C on transcript NM_000214.3 (MANE Select); coding-DNA position 64, T replaced by C.
Protein change: p.Cys22Arg; replaces cysteine 22 with arginine.
Molecular consequence: missense variant.
Genome position (GRCh38, 1-based): chr20:10,673,467, A>G on the plus strand (T>C on the coding strand, the complement: JAG1 is on the minus strand). VCF-style: chr20-10673467-A-G. GRCh37 (hg19) VCF-style: chr20-10654115-A-G.
Other names: c.64T>C, p.Cys22Arg (LRG_1191t1); short protein forms C22R.
Identifiers: ClinVar variation 502764 (VCV000502764.29), dbSNP rs1555831004, ClinGen allele CA408244114.